The following is an entry in ClinVar:

NM_012114.3(CASP14):c.332C>T (p.Ala111Val)

Gene: CASP14 (caspase 14; plus strand). Cytogenetic location: 19p13.12.
Variant type: single nucleotide variant.
Coding change: c.332C>T on transcript NM_012114.3 (MANE Select); coding-DNA position 332, C replaced by T.
Protein change: p.Ala111Val; replaces alanine 111 with valine.
Molecular consequence: missense variant.
Genome position (GRCh38, 1-based): chr19:15,053,887, C>T. VCF-style: chr19-15053887-C-T. GRCh37 (hg19) VCF-style: chr19-15164698-C-T.
Other names: short protein forms A111V.
Identifiers: ClinVar variation 1027762 (VCV001027762.1), dbSNP rs868415794, ClinGen allele CA305778471.
Genomic context (GRCh38, chr19:15,053,887, plus strand): 5'-GGGAAGGCTTCCTCAAGGGAGAAGATGGGGAGATGGTCAAGCTGGAGAATCTCTTCGAGG[C>T]CCTGAACAACAAGAACTGCCAGGCCCTGCGAGCTAAGCCCAAGGTGTACATCATACAGGC-3'
Protein context (NP_036246.1, residues 101-121): EMVKLENLFE[Ala111Val]LNNKNCQALR

ClinVar aggregate classification (germline): Uncertain significance (1 of 4 stars; one submission).

Conditions:
Ichthyosis, congenital, autosomal recessive 12 (ARCI12). Identifiers: MedGen C4310621, MONDO:0015018, OMIM 617320.

Allele frequency attached by ClinVar (database versions not stated): TOPMed 0.00002.

Submission:

Baylor Genetics
Classification: Uncertain significance for Ichthyosis, congenital, autosomal recessive 12. Last evaluated: 2019-05-09. Review status: criteria provided, single submitter. Criteria: ACMG Guidelines, 2015. Collection method: clinical testing. Allele origin: paternal. Affected: yes.
Comment: This variant was determined to be of uncertain significance according to ACMG Guidelines, 2015 [PMID:25741868].